The following is an entry in ClinVar:

NM_001042681.2(RERE):c.1970A>C (p.Asp657Ala)

Gene: RERE (arginine-glutamic acid dipeptide repeats; minus strand). Cytogenetic location: 1p36.23.
Variant type: single nucleotide variant.
Coding change: c.1970A>C on transcript NM_001042681.2 (MANE Select); coding-DNA position 1970, A replaced by C.
Protein change: p.Asp657Ala; replaces aspartic acid 657 with alanine.
Molecular consequence: missense variant.
Genome position (GRCh38, 1-based): chr1:8,361,809, T>G on the plus strand (A>C on the coding strand, the complement: RERE is on the minus strand). VCF-style: chr1-8361809-T-G. GRCh37 (hg19) VCF-style: chr1-8421869-T-G.
Other names: c.308A>C, p.Asp103Ala (NM_001042682.2); c.1970A>C, p.Asp657Ala (NM_012102.4); short protein forms D103A, D657A.
Identifiers: ClinVar variation 1310901 (VCV001310901.2), dbSNP rs1641592075, ClinGen allele CA338173596.

ClinVar aggregate classification (germline): Uncertain significance (1 of 4 stars; one submission).

Allele frequency attached by ClinVar (database versions not stated): TOPMed below 0.00001.

Submission:

GeneDx
Classification: Uncertain significance. Last evaluated: 2020-01-14. Review status: criteria provided, single submitter. Criteria: GeneDx Variant Classification Process June 2021. Collection method: clinical testing. Allele origin: germline. Affected: yes.
Comment: Not observed in large population cohorts (Lek et al., 2016); In silico analysis, which includes protein predictors and evolutionary conservation, supports a deleterious effect; Has not been previously published as pathogenic or benign to our knowledge